The following is an entry in ClinVar:

NM_198721.4(COL25A1):c.1296C>T (p.Asn432=)

Gene: COL25A1 (collagen type XXV alpha 1 chain; minus strand). Cytogenetic location: 4q25.
Variant type: single nucleotide variant.
Coding change: c.1296C>T on transcript NM_198721.4 (MANE Select); coding-DNA position 1296, C replaced by T.
Protein change: p.Asn432=; no amino-acid change (asparagine 432 retained).
Molecular consequence: synonymous variant. On other transcripts: non-coding transcript variant (1).
Genome position (GRCh38, 1-based): chr4:108,859,680, G>A on the plus strand (C>T on the coding strand, the complement: COL25A1 is on the minus strand). VCF-style: chr4-108859680-G-A. GRCh37 (hg19) VCF-style: chr4-109780836-G-A.
Other names: c.1239C>T, p.Asn413= (NM_001256074.3); c.1296C>T, p.Asn432= (NM_032518.4).
Identifiers: ClinVar variation 5038776 (VCV005038776.1).

ClinVar aggregate classification (germline): Likely benign (1 of 4 stars; one submission).

gnomAD v4.1: 163 of 1,613,678 alleles (0.01%); highest among the groups gnomAD compares: Middle Eastern, 0.049%; no homozygotes.

Submission:

CeGaT Center for Human Genetics Tuebingen
Classification: Likely benign. Last evaluated: 2026-07-01. Review status: criteria provided, single submitter. Criteria: CeGaT Center For Human Genetics Tuebingen Variant Classification Criteria Version 2. Collection method: clinical testing. Allele origin: germline. Affected: yes. Observed: 1 variant allele.
Comment: COL25A1: BP4, BP7